The following is an entry in ClinVar:

ClinVar aggregate classification (germline): Uncertain significance. Review status: criteria provided, single submitter (1 of 4 stars). 2 submissions from 2 submitters: Uncertain significance (1). 1 of the submissions does not count toward it. Last evaluated 2026-01-24.

Conditions:
Glycogen storage disease, type II (IOPD). Also called: Glycogen storage disease type 2; Acid maltase deficiency disease; Aglucosidase alfa; Deficiency of alpha-glucosidase; Deficiency of lysosomal alpha-glucosidase; Pompe Disease. Identifiers: Orphanet 365, MedGen C0017921, MONDO:0009290, OMIM 232300.

Allele frequency attached by ClinVar (database versions not stated): TOPMed below 0.00001; ExAC 0.00001; gnomAD 0.00001; gnomAD exomes 0.00001.
gnomAD v4.1: 7 of 1,604,916 alleles (0.00044%); highest among the groups gnomAD compares: Admixed American, 0.0017%; no homozygotes.

Submissions (2):

Labcorp Genetics (formerly Invitae), Labcorp
Classification: Uncertain significance for Glycogen storage disease, type II. Last evaluated: 2026-01-24. Review status: criteria provided, single submitter. Criteria: Invitae Variant Classification Sherloc (09022015). Collection method: clinical testing. Allele origin: germline.
Comment: This sequence change replaces histidine, which is basic and polar, with arginine, which is basic and polar, at codon 180 of the GAA protein (p.His180Arg). This variant is present in population databases (rs773474041, gnomAD 0.003%). This variant has not been reported in the literature in individuals affected with GAA-related conditions. ClinVar contains an entry for this variant (Variation ID: 851928). Invitae Evidence Modeling of protein sequence and biophysical properties (such as structural, functional, and spatial information, amino acid conservation, physicochemical variation, residue mobility, and thermodynamic stability) indicates that this missense variant is not expected to disrupt GAA protein function with a negative predictive value of 95%. In summary, the available evidence is currently insufficient to determine the role of this variant in disease. Therefore, it has been classified as a Variant of Uncertain Significance.

Natera, Inc.
Classification: Uncertain significance for Glycogen storage disease type II. Last evaluated: 2021-05-06. Review status: no assertion criteria provided. Collection method: clinical testing. Allele origin: germline. Not counted in ClinVar's aggregate classification.

NM_000152.5(GAA):c.539A>G (p.His180Arg)

Gene: GAA (alpha glucosidase; plus strand). Cytogenetic location: 17q25.3.
Variant type: single nucleotide variant.
Coding change: c.539A>G on transcript NM_000152.5 (MANE Select); coding-DNA position 539, A replaced by G.
Protein change: p.His180Arg; replaces histidine 180 with arginine.
Molecular consequence: missense variant.
Genome position (GRCh38, 1-based): chr17:80,105,125, A>G. VCF-style: chr17-80105125-A-G. GRCh37 (hg19) VCF-style: chr17-78078924-A-G.
Other names: c.539A>G, p.His180Arg (NM_001079803.3, NM_001079804.3); short protein forms H180R.
Identifiers: ClinVar variation 851928 (VCV000851928.9), dbSNP rs773474041, ClinGen allele CA8814891.
Genomic context (GRCh38, chr17:80,105,125, plus strand): 5'-TCCCCAAGGACATCCTGACCCTGCGGCTGGACGTGATGATGGAGACTGAGAACCGCCTCC[A>G]CTTCACGGTGGGCAGGGCAGGGGCGGGGGCGGCGGCCAGGGCAGAGGGTGCGCGTGGACA-3'
Protein context (NP_000143.2, residues 170-190): DVMMETENRL[His180Arg]FTIKDPANRR